The following is an entry in ClinVar:

ClinVar aggregate classification (germline): Uncertain significance (1 of 4 stars; one submission).

Submission:

GeneDx
Classification: Uncertain significance. Last evaluated: 2023-05-17. Review status: criteria provided, single submitter. Criteria: GeneDx Variant Classification Process June 2021. Collection method: clinical testing. Allele origin: germline. Affected: yes.
Comment: Not observed at significant frequency in large population cohorts (gnomAD); In silico analysis supports that this missense variant has a deleterious effect on protein structure/function; Has not been previously published as pathogenic or benign to our knowledge

NM_173495.3(PTCHD1):c.2422G>A (p.Gly808Ser)

Gene: PTCHD1 (patched domain containing 1; plus strand). Cytogenetic location: Xp22.11.
Variant type: single nucleotide variant.
Coding change: c.2422G>A on transcript NM_173495.3 (MANE Select); coding-DNA position 2422, G replaced by A.
Protein change: p.Gly808Ser; replaces glycine 808 with serine.
Molecular consequence: missense variant.
Genome position (GRCh38, 1-based): chrX:23,393,940, G>A. VCF-style: chrX-23393940-G-A. GRCh37 (hg19) VCF-style: chrX-23412057-G-A.
Other names: short protein forms G808S.
Identifiers: ClinVar variation 2662362 (VCV002662362.1), dbSNP rs2518767687, ClinGen allele CA412588156.